The following is an entry in ClinVar:

NM_003664.5(AP3B1):c.2009A>G (p.Asn670Ser)

Gene: AP3B1 (adaptor related protein complex 3 subunit beta 1; minus strand). Cytogenetic location: 5q14.1.
Variant type: single nucleotide variant.
Coding change: c.2009A>G on transcript NM_003664.5 (MANE Select); coding-DNA position 2009, A replaced by G.
Protein change: p.Asn670Ser; replaces asparagine 670 with serine.
Molecular consequence: missense variant.
Genome position (GRCh38, 1-based): chr5:78,116,194, T>C on the plus strand (A>G on the coding strand, the complement: AP3B1 is on the minus strand). VCF-style: chr5-78116194-T-C. GRCh37 (hg19) VCF-style: chr5-77412018-T-C.
Other names: c.1862A>G, p.Asn621Ser (NM_001271769.2); c.2009A>G, p.Asn670Ser (NM_001410752.1); short protein forms N621S, N670S.
Identifiers: ClinVar variation 3374978 (VCV003374978.3).
Genomic context (GRCh38, chr5:78,116,194, plus strand): 5'-CTGCTACTATCAGAAGAGTCCTCCTCTTCCTCAGATTCAGAATAAAACTTCTTAGCAGAA[T>C]TCTCTTGCTTTGCTTTTCCTGCTGGGGTCCATTCTTTTGCCTGTTTAAACAAATAAAGTA-3'
Protein context (NP_003655.3, residues 660-680): WTPAGKAKQE[Asn670Ser]SAKKFYSESE

ClinVar aggregate classification (germline): Uncertain significance. Review status: criteria provided, multiple submitters, no conflicts (2 of 4 stars). 2 submissions from 2 submitters: Uncertain significance (2). Last evaluated 2024-11-27.

Conditions:
Hermansky-Pudlak syndrome 2 (HPS2). Also called: Platelet defects and oculocutaneous albinism. Identifiers: Orphanet 183678, Orphanet 79430, MedGen C1842362, MONDO:0011997, OMIM 608233.

gnomAD v4.1: 32 of 1,613,712 alleles (0.002%); highest among the groups gnomAD compares: Non-Finnish European, 0.0024%; no homozygotes.

Submissions (2):

Labcorp Genetics (formerly Invitae), Labcorp
Classification: Uncertain significance for Hermansky-Pudlak syndrome 2. Last evaluated: 2024-11-27. Review status: criteria provided, single submitter. Criteria: Invitae Variant Classification Sherloc (09022015). Collection method: clinical testing. Allele origin: germline.
Comment: This sequence change replaces asparagine, which is neutral and polar, with serine, which is neutral and polar, at codon 670 of the AP3B1 protein (p.Asn670Ser). This variant is present in population databases (rs757825991, gnomAD 0.0009%). This variant has not been reported in the literature in individuals affected with AP3B1-related conditions. An algorithm developed to predict the effect of missense changes on protein structure and function (PolyPhen-2) suggests that this variant is likely to be tolerated. In summary, the available evidence is currently insufficient to determine the role of this variant in disease. Therefore, it has been classified as a Variant of Uncertain Significance.

Women's Health and Genetics/Laboratory Corporation of America, LabCorp
Classification: Uncertain significance. Last evaluated: 2024-09-09. Review status: criteria provided, single submitter. Criteria: LabCorp Variant Classification Summary - May 2015. Collection method: clinical testing. Allele origin: germline.
Comment: Variant summary: AP3B1 c.2009A>G (p.Asn670Ser) results in a conservative amino acid change in the encoded protein sequence. Five of five in-silico tools predict a benign effect of the variant on protein function. The variant allele was found at a frequency of 4e-06 in 251278 control chromosomes. The available data on variant occurrences in the general population are insufficient to allow any conclusion about variant significance. To our knowledge, no occurrence of c.2009A>G in individuals affected with Hermansky-Pudlak Syndrome and no experimental evidence demonstrating its impact on protein function have been reported. No submitters have cited clinical-significance assessments for this variant to ClinVar. Based on the evidence outlined above, the variant was classified as uncertain significance.